The following is an entry in ClinVar:

ClinVar aggregate classification (germline): Likely benign (1 of 4 stars; one submission).

Submission:

CeGaT Center for Human Genetics Tuebingen
Classification: Likely benign. Last evaluated: 2023-08-01. Review status: criteria provided, single submitter. Criteria: CeGaT Center For Human Genetics Tuebingen Variant Classification Criteria Version 2. Collection method: clinical testing. Allele origin: germline. Affected: yes. Observed: 1 variant allele.
Comment: GRIK2: PM2:Supporting, BP4, BP7

NM_021956.5(GRIK2):c.2604C>T (p.Ser868=)

Gene: GRIK2 (glutamate ionotropic receptor kainate type subunit 2; plus strand). Cytogenetic location: 6q16.3.
Variant type: single nucleotide variant.
Coding change: c.2604C>T on transcript NM_021956.5 (MANE Select); coding-DNA position 2604, C replaced by T.
Protein change: p.Ser868=; no amino-acid change (serine 868 retained).
Molecular consequence: synonymous variant. On other transcripts: 3 prime UTR variant (2).
Genome position (GRCh38, 1-based): chr6:102,068,388, C>T. VCF-style: chr6-102068388-C-T. GRCh37 (hg19) VCF-style: chr6-102516263-C-T.
Other names: c.*57C>T (NM_001166247.1); c.*81C>T (NM_175768.3).
Identifiers: ClinVar variation 2656798 (VCV002656798.24), dbSNP rs2485482547, ClinGen allele CA451505081.